The following is an entry in ClinVar:

NM_007254.4(PNKP):c.625G>A (p.Glu209Lys)

Gene: PNKP (polynucleotide kinase 3'-phosphatase; minus strand). Cytogenetic location: 19q13.33.
Variant type: single nucleotide variant.
Coding change: c.625G>A on transcript NM_007254.4 (MANE Select); coding-DNA position 625, G replaced by A.
Protein change: p.Glu209Lys; replaces glutamic acid 209 with lysine.
Molecular consequence: missense variant.
Genome position (GRCh38, 1-based): chr19:49,864,190, C>T on the plus strand (G>A on the coding strand, the complement: PNKP is on the minus strand). VCF-style: chr19-49864190-C-T. GRCh37 (hg19) VCF-style: chr19-50367447-C-T.
Other names: short protein forms E209K.
Identifiers: ClinVar variation 198198 (VCV000198198.15), dbSNP rs773641701, ClinGen allele CA246726.

ClinVar aggregate classification (germline): Uncertain significance. Review status: criteria provided, multiple submitters, no conflicts (2 of 4 stars). 4 submissions from 4 submitters: Uncertain significance (4). Last evaluated 2026-01-12.

Conditions:
Charcot-Marie-Tooth disease type 2B2 (CMT2B2). Also called: CHARCOT-MARIE-TOOTH DISEASE, AXONAL, AUTOSOMAL RECESSIVE, TYPE 2B2; Charcot-Marie-Tooth Neuropathy Type 2B2; CHARCOT-MARIE-TOOTH DISEASE, NEURONAL, TYPE 2B2; CHARCOT-MARIE-TOOTH DISEASE, AXONAL, TYPE 2B2. Identifiers: Orphanet 101101, MedGen C1854150, MONDO:0011570, OMIM 605589.
Microcephaly, seizures, and developmental delay. Identifiers: Orphanet 1934, MedGen C3150667, MONDO:0013254, OMIM 613402.
Ataxia - oculomotor apraxia type 4. Identifiers: Orphanet 459033, MedGen C4225397, MONDO:0014557, OMIM 616267.
Inborn genetic diseases. Identifiers: MedGen C0950123, MeSH D030342.
Developmental and epileptic encephalopathy, 12 (DEE12). Identifiers: MedGen C3150988, MONDO:0013389, OMIM 613722.

Allele frequency attached by ClinVar (database versions not stated): ExAC 0.00001; gnomAD 0.00001; gnomAD exomes 0.00002 and 0.00005; TOPMed 0.00006.
gnomAD v4.1: 28 of 1,614,016 alleles (0.0017%); highest among the groups gnomAD compares: Admixed American, 0.02%; no homozygotes.

Submissions (4):

Labcorp Genetics (formerly Invitae), Labcorp
Classification: Uncertain significance for Developmental and epileptic encephalopathy, 12. Last evaluated: 2026-01-12. Review status: criteria provided, single submitter. Criteria: Invitae Variant Classification Sherloc (09022015). Collection method: clinical testing. Allele origin: germline.
Comment: This sequence change replaces glutamic acid, which is acidic and polar, with lysine, which is basic and polar, at codon 209 of the PNKP protein (p.Glu209Lys). This variant is present in population databases (rs773641701, gnomAD 0.03%). This variant has not been reported in the literature in individuals affected with PNKP-related conditions. ClinVar contains an entry for this variant (Variation ID: 198198). Invitae Evidence Modeling of protein sequence and biophysical properties (such as structural, functional, and spatial information, amino acid conservation, physicochemical variation, residue mobility, and thermodynamic stability) indicates that this missense variant is not expected to disrupt PNKP protein function with a negative predictive value of 80%. In summary, the available evidence is currently insufficient to determine the role of this variant in disease. Therefore, it has been classified as a Variant of Uncertain Significance.

Ambry Genetics
Classification: Uncertain significance for Inborn genetic diseases. Last evaluated: 2022-11-21. Review status: criteria provided, single submitter. Criteria: Ambry Variant Classification Scheme 2023. Collection method: clinical testing. Allele origin: germline.

Fulgent Genetics
Classification: Uncertain significance for Charcot-Marie-Tooth disease type 2B2; Microcephaly, seizures, and developmental delay; Ataxia - oculomotor apraxia type 4. Last evaluated: 2022-03-28. Review status: criteria provided, single submitter. Criteria: ACMG Guidelines, 2015. Collection method: clinical testing. Allele origin: unknown.

Eurofins Ntd Llc (ga)
Classification: Uncertain significance. Last evaluated: 2014-05-22. Review status: criteria provided, single submitter. Criteria: EGL Classification Definitions 2015. Collection method: clinical testing. Allele origin: germline. Observed: 1 variant allele, 1 heterozygote.